The following is an entry in ClinVar:

NM_004304.5(ALK):c.414C>G (p.Ala138=)

Gene: ALK (ALK receptor tyrosine kinase; minus strand). Cytogenetic location: 2p23.1.
Variant type: single nucleotide variant.
Coding change: c.414C>G on transcript NM_004304.5 (MANE Select); coding-DNA position 414, C replaced by G.
Protein change: p.Ala138=; no amino-acid change (alanine 138 retained).
Molecular consequence: synonymous variant.
Genome position (GRCh38, 1-based): chr2:29,920,246, G>C on the plus strand (C>G on the coding strand, the complement: ALK is on the minus strand). VCF-style: chr2-29920246-G-C. GRCh37 (hg19) VCF-style: chr2-30143112-G-C.
Other names: c.414C>G (NM_004304.4).
Identifiers: ClinVar variation 1121408 (VCV001121408.12), dbSNP rs1483565631, ClinGen allele CA425627253.

ClinVar aggregate classification (germline): Likely benign. Review status: criteria provided, multiple submitters, no conflicts (2 of 4 stars). 3 submissions from 3 submitters: Likely benign (2). 1 of the submissions does not count toward it. Last evaluated 2023-07-03.

Conditions:
Neuroblastoma, susceptibility to, 3. Also called: ALK-Related Neuroblastic Tumor Susceptibility. Identifiers: Orphanet 635, MedGen C2751681, MONDO:0013083, OMIM 613014.
Hereditary cancer-predisposing syndrome. Also called: Neoplastic Syndromes, Hereditary; Hereditary Cancer Syndrome; Hereditary neoplastic syndrome; Tumor predisposition. Identifiers: Orphanet 140162, MedGen C0027672, MeSH D009386, MONDO:0015356.
ALK-related disorder. Also called: ALK-related condition.

Allele frequency attached by ClinVar (database versions not stated): gnomAD exomes below 0.00001; gnomAD 0.00001.
gnomAD v4.1: 2 of 1,609,062 alleles (0.00012%); highest among the groups gnomAD compares: Admixed American, 0.0017%; no homozygotes.

Submissions (3):

Ambry Genetics
Classification: Likely benign for Hereditary cancer-predisposing syndrome. Last evaluated: 2023-07-03. Review status: criteria provided, single submitter. Criteria: Ambry Variant Classification Scheme 2023. Collection method: clinical testing. Allele origin: germline.

Labcorp Genetics (formerly Invitae), Labcorp
Classification: Likely benign for Neuroblastoma, susceptibility to, 3. Last evaluated: 2020-08-26. Review status: criteria provided, single submitter. Criteria: Invitae Variant Classification Sherloc (09022015). Collection method: clinical testing. Allele origin: germline.

PreventionGenetics, part of Exact Sciences
Classification: Likely benign for ALK-related condition. Last evaluated: 2022-04-05. Review status: no assertion criteria provided. Collection method: clinical testing. Allele origin: germline. Not counted in ClinVar's aggregate classification.
Comment: This variant is classified as likely benign based on ACMG/AMP sequence variant interpretation guidelines (Richards et al. 2015 PMID: 25741868, with internal and published modifications).